The following is an entry in ClinVar:

ClinVar aggregate classification (germline): Likely benign. Review status: criteria provided, multiple submitters, no conflicts (2 of 4 stars). 2 submissions from 2 submitters: Likely benign (2). Last evaluated 2026-04-01.

Conditions:
MPDZ-related disorder. Also called: MPDZ-related condition.

Allele frequency attached by ClinVar (database versions not stated): gnomAD exomes 0.00002 and 0.00005; ESP Exome Variant Server 0.00008; ExAC 0.00017; TOPMed 0.00019; 1000 Genomes Project 0.00020; 1000 Genomes Project 30x 0.00031.
gnomAD v4.1: 56 of 1,598,806 alleles (0.0035%); highest among the groups gnomAD compares: African/African-American, 0.071%; no homozygotes.

Submissions (2):

PreventionGenetics, part of Exact Sciences
Classification: Likely benign for MPDZ-related condition. Last evaluated: 2026-04-01. Review status: criteria provided, single submitter. Criteria: ACMG Guidelines, 2015. Collection method: clinical testing. Allele origin: germline.
Comment: This variant is classified as likely benign based on ACMG/AMP sequence variant interpretation guidelines (Richards et al. 2015 PMID: 25741868, with internal and published modifications).

Labcorp Genetics (formerly Invitae), Labcorp
Classification: Likely benign. Last evaluated: 2025-12-23. Review status: criteria provided, single submitter. Criteria: Invitae Variant Classification Sherloc (09022015). Collection method: clinical testing. Allele origin: germline.

NM_001378778.1(MPDZ):c.5520A>G (p.Thr1840=)

Gene: MPDZ (multiple PDZ domain crumbs cell polarity complex component; minus strand). Cytogenetic location: 9p23.
Variant type: single nucleotide variant.
Coding change: c.5520A>G on transcript NM_001378778.1 (MANE Select); coding-DNA position 5520, A replaced by G.
Protein change: p.Thr1840=; no amino-acid change (threonine 1840 retained).
Molecular consequence: synonymous variant.
Genome position (GRCh38, 1-based): chr9:13,113,968, T>C on the plus strand (A>G on the coding strand, the complement: MPDZ is on the minus strand). VCF-style: chr9-13113968-T-C. GRCh37 (hg19) VCF-style: chr9-13113967-T-C.
Other names: c.5433A>G (NM_003829.4); c.5421A>G, p.Thr1807= (NM_001261406.2, NM_001375416.1, NM_001375417.1 and 1 more transcripts); c.5334A>G, p.Thr1778= (NM_001261407.2, NM_001375419.1); c.5520A>G, p.Thr1840= (NM_001330637.2); c.5619A>G, p.Thr1873= (NM_001375413.1); c.5310A>G, p.Thr1770= (NM_001375420.1, NM_001375421.1, NM_001375422.1 and 2 more transcripts); c.5223A>G, p.Thr1741= (NM_001375425.1, NM_001375426.1); c.5112A>G, p.Thr1704= (NM_001375427.1); and 1 more.
Identifiers: ClinVar variation 1555850 (VCV001555850.9), dbSNP rs181988364, ClinGen allele CA4986235.